The following is an entry in ClinVar:

NM_032119.4(ADGRV1):c.1271G>C (p.Gly424Ala)

Gene: ADGRV1 (adhesion G protein-coupled receptor V1; plus strand). Cytogenetic location: 5q14.3.
Variant type: single nucleotide variant.
Coding change: c.1271G>C on transcript NM_032119.4 (MANE Select); coding-DNA position 1271, G replaced by C.
Protein change: p.Gly424Ala; replaces glycine 424 with alanine.
Molecular consequence: missense variant. On other transcripts: non-coding transcript variant (1).
Genome position (GRCh38, 1-based): chr5:90,628,594, G>C. VCF-style: chr5-90628594-G-C. GRCh37 (hg19) VCF-style: chr5-89924411-G-C.
Other names: short protein forms G424A.
Identifiers: ClinVar variation 1490563 (VCV001490563.8), dbSNP rs2149381158, ClinGen allele CA360371446.
Genomic context (GRCh38, chr5:90,628,594, plus strand): 5'-AATATGTATTTCTTTTAAAACATTTAAGATATGAAGAAATCACAGTGGTTAGAAATGGAG[G>C]AACCCATGGGAATGTCTCTGCGAATTGGGTGTTGACACGGAACAGCACTGATCCCTCACC-3'
Protein context (NP_115495.3, residues 414-434): YEEITVVRNG[Gly424Ala]THGNVSANWV

ClinVar aggregate classification (germline): Uncertain significance (1 of 4 stars; one submission).

gnomAD v4.1: 4 of 1,613,680 alleles (0.00025%); highest among the groups gnomAD compares: Non-Finnish European, 0.00034%; no homozygotes.

Submission:

Labcorp Genetics (formerly Invitae), Labcorp
Classification: Uncertain significance. Last evaluated: 2024-02-24. Review status: criteria provided, single submitter. Criteria: Invitae Variant Classification Sherloc (09022015). Collection method: clinical testing. Allele origin: germline.
Comment: This sequence change replaces glycine, which is neutral and non-polar, with alanine, which is neutral and non-polar, at codon 424 of the ADGRV1 protein (p.Gly424Ala). This variant is not present in population databases (gnomAD no frequency). This variant has not been reported in the literature in individuals affected with ADGRV1-related conditions. ClinVar contains an entry for this variant (Variation ID: 1490563). Advanced modeling of protein sequence and biophysical properties (such as structural, functional, and spatial information, amino acid conservation, physicochemical variation, residue mobility, and thermodynamic stability) performed at Invitae indicates that this missense variant is not expected to disrupt ADGRV1 protein function with a negative predictive value of 95%. In summary, the available evidence is currently insufficient to determine the role of this variant in disease. Therefore, it has been classified as a Variant of Uncertain Significance.